The following is an entry in ClinVar:

NM_001379500.1(COL18A1):c.1661A>G (p.Gln554Arg)

Gene: COL18A1 (collagen type XVIII alpha 1 chain; plus strand). Cytogenetic location: 21q22.3.
Variant type: single nucleotide variant.
Coding change: c.1661A>G on transcript NM_001379500.1 (MANE Select); coding-DNA position 1661, A replaced by G.
Protein change: p.Gln554Arg; replaces glutamine 554 with arginine.
Molecular consequence: missense variant.
Genome position (GRCh38, 1-based): chr21:45,482,012, A>G. VCF-style: chr21-45482012-A-G. GRCh37 (hg19) VCF-style: chr21-46901926-A-G.
Other names: c.2201A>G, p.Gln734Arg (NM_030582.4); c.2906A>G, p.Gln969Arg (NM_130444.3); short protein forms Q554R, Q969R, Q734R.
Identifiers: ClinVar variation 2794460 (VCV002794460.3), dbSNP rs1454547075, ClinGen allele CA410518748.

ClinVar aggregate classification (germline): Uncertain significance (1 of 4 stars; one submission).

gnomAD v4.1: 3 of 1,613,370 alleles (0.00019%); highest among the groups gnomAD compares: Non-Finnish European, 0.00017%; no homozygotes.

Submission:

Labcorp Genetics (formerly Invitae), Labcorp
Classification: Uncertain significance. Last evaluated: 2022-12-23. Review status: criteria provided, single submitter. Criteria: Invitae Variant Classification Sherloc (09022015). Collection method: clinical testing. Allele origin: germline.
Comment: Experimental studies and prediction algorithms are not available or were not evaluated, and the functional significance of this variant is currently unknown. This sequence change replaces glutamine, which is neutral and polar, with arginine, which is basic and polar, at codon 554 of the COL18A1 protein (p.Gln554Arg). This variant is present in population databases (no rsID available, gnomAD 0.0009%). This variant has not been reported in the literature in individuals affected with COL18A1-related conditions. In summary, the available evidence is currently insufficient to determine the role of this variant in disease. Therefore, it has been classified as a Variant of Uncertain Significance.